The following is an entry in ClinVar:

ClinVar aggregate classification (germline): Uncertain significance (0 of 4 stars; one submission).

Conditions:
FREM1-related disorder. Also called: FREM1-related condition; FREM1-Related Disorders.

gnomAD v4.1: 15 of 1,613,532 alleles (0.00093%); highest among the groups gnomAD compares: Non-Finnish European, 0.00059%; 1 homozygote.

Submission:

PreventionGenetics, part of Exact Sciences
Classification: Uncertain significance for FREM1-related condition. Last evaluated: 2024-03-20. Review status: no assertion criteria provided. Collection method: clinical testing. Allele origin: germline.
Comment: The FREM1 c.4982C>G variant is predicted to result in the amino acid substitution p.Pro1661Arg. To our knowledge, this variant has not been reported in the literature. This variant is reported in 0.0093% of alleles in individuals of European (Finnish) descent in gnomAD. At this time, the clinical significance of this variant is uncertain due to the absence of conclusive functional and genetic evidence.

NM_001379081.2(FREM1):c.4982C>G (p.Pro1661Arg)

Gene: FREM1 (FRAS1 related extracellular matrix 1; minus strand). Cytogenetic location: 9p22.3.
Variant type: single nucleotide variant.
Coding change: c.4982C>G on transcript NM_001379081.2 (MANE Select); coding-DNA position 4982, C replaced by G.
Protein change: p.Pro1661Arg; replaces proline 1661 with arginine.
Molecular consequence: missense variant. On other transcripts: non-coding transcript variant (2).
Genome position (GRCh38, 1-based): chr9:14,770,682, G>C on the plus strand (C>G on the coding strand, the complement: FREM1 is on the minus strand). VCF-style: chr9-14770682-G-C. GRCh37 (hg19) VCF-style: chr9-14770680-G-C.
Other names: c.590C>G, p.Pro197Arg (NM_001177704.3, NM_001370058.2, NM_001370061.2); c.4982C>G, p.Pro1661Arg (NM_144966.7); short protein forms P1661R, P197R.
Identifiers: ClinVar variation 3358235 (VCV003358235.1).